The following is an entry in ClinVar:

NM_002480.3(PPP1R12A):c.1083G>A (p.Glu361=)

Gene: PPP1R12A (protein phosphatase 1 regulatory subunit 12A; minus strand). Cytogenetic location: 12q21.2.
Variant type: single nucleotide variant.
Coding change: c.1083G>A on transcript NM_002480.3 (MANE Select); coding-DNA position 1083, G replaced by A.
Protein change: p.Glu361=; no amino-acid change (glutamic acid 361 retained).
Molecular consequence: synonymous variant.
Genome position (GRCh38, 1-based): chr12:79,820,805, C>T on the plus strand (G>A on the coding strand, the complement: PPP1R12A is on the minus strand). VCF-style: chr12-79820805-C-T. GRCh37 (hg19) VCF-style: chr12-80214585-C-T.
Other names: c.1083G>A, p.Glu361= (NM_001143885.2, NM_001244990.2, NM_001244992.1); c.822G>A, p.Glu274= (NM_001143886.2).
Identifiers: ClinVar variation 5041329 (VCV005041329.1).

ClinVar aggregate classification (germline): Likely benign (1 of 4 stars; one submission).

Submission:

CeGaT Center for Human Genetics Tuebingen
Classification: Likely benign. Last evaluated: 2026-09-01. Review status: criteria provided, single submitter. Criteria: CeGaT Center For Human Genetics Tuebingen Variant Classification Criteria Version 2. Collection method: clinical testing. Allele origin: germline. Affected: yes. Observed: 1 variant allele.
Comment: PPP1R12A: PM2:Supporting, BP4, BP7